The following is an entry in ClinVar:

NM_001377.3(DYNC2H1):c.8473A>G (p.Ser2825Gly)

Gene: DYNC2H1 (dynein cytoplasmic 2 heavy chain 1; plus strand). Cytogenetic location: 11q22.3.
Variant type: single nucleotide variant.
Coding change: c.8473A>G on transcript NM_001377.3 (MANE Select); coding-DNA position 8473, A replaced by G.
Protein change: p.Ser2825Gly; replaces serine 2825 with glycine.
Molecular consequence: missense variant.
Genome position (GRCh38, 1-based): chr11:103,209,894, A>G. VCF-style: chr11-103209894-A-G. GRCh37 (hg19) VCF-style: chr11-103080623-A-G.
Other names: c.8473A>G, p.Ser2825Gly (NM_001080463.2); short protein forms S2825G.
Identifiers: ClinVar variation 302071 (VCV000302071.9), dbSNP rs886047569, ClinGen allele CA10636918.

ClinVar aggregate classification (germline): Uncertain significance. Review status: criteria provided, multiple submitters, no conflicts (2 of 4 stars). 3 submissions from 3 submitters: Uncertain significance (3). Last evaluated 2025-04-01.

Conditions:
Asphyxiating thoracic dystrophy 3. Also called: SHORT-RIB THORACIC DYSPLASIA 3 WITH OR WITHOUT POLYDACTYLY; POLYDACTYLY WITH NEONATAL CHONDRODYSTROPHY, TYPE I; SHORT-RIB THORACIC DYSPLASIA 3/6 WITH POLYDACTYLY, DIGENIC; Short rib polydactyly syndrome 2B; Saldino-Noonan Syndrome. Identifiers: Orphanet 474, Orphanet 93269, Orphanet 93270, Orphanet 93271, MedGen C0036069, MONDO:0013127, OMIM 613091.
Inborn genetic diseases. Identifiers: MedGen C0950123, MeSH D030342.
Jeune thoracic dystrophy. Also called: Short-rib thoracic dysplasia; Jeune syndrome; Infantile thoracic dystrophy; Thoracic pelvic phalangeal dystrophy; Jeune's syndrome; Chondroectodermal dysplasia-like syndrome. Identifiers: Orphanet 474, MedGen C0265275, MONDO:0018770.

Allele frequency attached by ClinVar (database versions not stated): gnomAD exomes below 0.00001; gnomAD 0.00001; TOPMed 0.00001.
gnomAD v4.1: 8 of 1,495,730 alleles (0.00053%); highest among the groups gnomAD compares: Non-Finnish European, 0.00072%; no homozygotes.

Submissions (3):

Ambry Genetics
Classification: Uncertain significance for Inborn genetic diseases. Last evaluated: 2025-04-01. Review status: criteria provided, single submitter. Criteria: Ambry Variant Classification Scheme 2023. Collection method: clinical testing. Allele origin: germline.

Labcorp Genetics (formerly Invitae), Labcorp
Classification: Uncertain significance for Jeune thoracic dystrophy. Last evaluated: 2021-10-28. Review status: criteria provided, single submitter. Criteria: Invitae Variant Classification Sherloc (09022015). Collection method: clinical testing. Allele origin: germline.
Comment: This sequence change replaces serine, which is neutral and polar, with glycine, which is neutral and non-polar, at codon 2825 of the DYNC2H1 protein (p.Ser2825Gly). This variant is present in population databases (no rsID available, gnomAD 0.007%). This variant has not been reported in the literature in individuals affected with DYNC2H1-related conditions. ClinVar contains an entry for this variant (Variation ID: 302071). Advanced modeling of protein sequence and biophysical properties (such as structural, functional, and spatial information, amino acid conservation, physicochemical variation, residue mobility, and thermodynamic stability) performed at Invitae indicates that this missense variant is not expected to disrupt DYNC2H1 protein function. In summary, the available evidence is currently insufficient to determine the role of this variant in disease. Therefore, it has been classified as a Variant of Uncertain Significance.

Illumina Laboratory Services, Illumina
Classification: Uncertain significance for Asphyxiating thoracic dystrophy 3. Last evaluated: 2018-01-13. Review status: criteria provided, single submitter. Criteria: ICSL Variant Classification Criteria 13 December 2019. Collection method: clinical testing. Allele origin: germline.